The following is an entry in ClinVar:

ClinVar aggregate classification (germline): Uncertain significance. Review status: criteria provided, multiple submitters, no conflicts (2 of 4 stars). 3 submissions from 3 submitters: Uncertain significance (3). Last evaluated 2025-06-21.

Conditions:
Upshaw-Schulman syndrome (TTP). Also called: THROMBOTIC THROMBOCYTOPENIC PURPURA, HEREDITARY; Congenital thrombotic thrombocytopenic purpura. Identifiers: Orphanet 93583, MedGen C1268935, MONDO:0010122, OMIM 274150.

Allele frequency attached by ClinVar (database versions not stated): ExAC 0.00008; TOPMed 0.00008; gnomAD 0.00010; gnomAD exomes 0.00016.
gnomAD v4.1: 228 of 1,555,486 alleles (0.015%); highest among the groups gnomAD compares: Non-Finnish European, 0.019%; no homozygotes.

Submissions (3):

Mayo Clinic Laboratories, Mayo Clinic
Classification: Uncertain significance. Last evaluated: 2025-06-21. Review status: criteria provided, single submitter. Criteria: ACMG Guidelines, 2015. Collection method: clinical testing. Allele origin: germline. Observed: 1 variant allele.
Comment: BP4_moderate

Fulgent Genetics
Classification: Uncertain significance for Upshaw-Schulman syndrome. Last evaluated: 2024-04-24. Review status: criteria provided, single submitter. Criteria: ACMG Guidelines, 2015. Collection method: clinical testing. Allele origin: germline.

Labcorp Genetics (formerly Invitae), Labcorp
Classification: Uncertain significance. Last evaluated: 2022-02-17. Review status: criteria provided, single submitter. Criteria: Invitae Variant Classification Sherloc (09022015). Collection method: clinical testing. Allele origin: germline.
Comment: This sequence change replaces leucine, which is neutral and non-polar, with methionine, which is neutral and non-polar, at codon 443 of the ADAMTS13 protein (p.Leu443Met). The frequency data for this variant in the population databases is considered unreliable, as metrics indicate poor data quality at this position in the gnomAD database. This variant has not been reported in the literature in individuals affected with ADAMTS13-related conditions. Algorithms developed to predict the effect of missense changes on protein structure and function are either unavailable or do not agree on the potential impact of this missense change (SIFT: "Deleterious"; PolyPhen-2: "Probably Damaging"; Align-GVGD: "Class C0"). In summary, the available evidence is currently insufficient to determine the role of this variant in disease. Therefore, it has been classified as a Variant of Uncertain Significance.

NM_139027.6(ADAMTS13):c.1327C>A (p.Leu443Met)

Gene: ADAMTS13 (ADAM metallopeptidase with thrombospondin type 1 motif 13; plus strand). Cytogenetic location: 9q34.2.
Variant type: single nucleotide variant.
Coding change: c.1327C>A on transcript NM_139027.6 (MANE Select); coding-DNA position 1327, C replaced by A.
Protein change: p.Leu443Met; replaces leucine 443 with methionine.
Molecular consequence: missense variant.
Genome position (GRCh38, 1-based): chr9:133,436,847, C>A. VCF-style: chr9-133436847-C-A. GRCh37 (hg19) VCF-style: chr9-136301967-C-A.
Other names: p.Leu443Met; c.1327C>A, p.Leu443Met (NM_139025.5); c.1234C>A, p.Leu412Met (NM_139026.6); short protein forms L443M, L412M.
Identifiers: ClinVar variation 2179900 (VCV002179900.3), dbSNP rs782174746, ClinGen allele CA200929547.